The following is an entry in ClinVar:

ClinVar aggregate classification (germline): Uncertain significance (1 of 4 stars; one submission).

Submission:

CeGaT Center for Human Genetics Tuebingen
Classification: Uncertain significance. Last evaluated: 2026-08-01. Review status: criteria provided, single submitter. Criteria: CeGaT Center For Human Genetics Tuebingen Variant Classification Criteria Version 2. Collection method: clinical testing. Allele origin: germline. Affected: yes. Observed: 1 variant allele.
Comment: NF1: PM2, PP3

NM_001042492.3(NF1):c.4835+3A>T

Gene: NF1 (neurofibromin 1; plus strand). Cytogenetic location: 17q11.2.
Variant type: single nucleotide variant.
Coding change: c.4835+3A>T on transcript NM_001042492.3 (MANE Select); 3 bases into the intron after coding-DNA position 4835, A replaced by T.
Molecular consequence: intron variant.
Genome position (GRCh38, 1-based): chr17:31,265,342, A>T. VCF-style: chr17-31265342-A-T. GRCh37 (hg19) VCF-style: chr17-29592360-A-T.
Other names: c.4772+3A>T (NM_000267.4).
Identifiers: ClinVar variation 5040566 (VCV005040566.1).